The following is an entry in ClinVar:

ClinVar aggregate classification (germline): Uncertain significance. Review status: criteria provided, multiple submitters, no conflicts (2 of 4 stars). 2 submissions from 2 submitters: Uncertain significance (2). Last evaluated 2024-10-06.

Conditions:
Inborn genetic diseases. Identifiers: MedGen C0950123, MeSH D030342.

Allele frequency attached by ClinVar (database versions not stated): ExAC 0.00002; TOPMed 0.00007; ESP Exome Variant Server 0.00008; gnomAD 0.00009 and 0.00010.
gnomAD v4.1: 27 of 1,614,064 alleles (0.0017%); highest among the groups gnomAD compares: African/African-American, 0.036%; no homozygotes.

Submissions (2):

Ambry Genetics
Classification: Uncertain significance for Inborn genetic diseases. Last evaluated: 2024-10-06. Review status: criteria provided, single submitter. Criteria: Ambry Variant Classification Scheme 2023. Collection method: clinical testing. Allele origin: germline.

Labcorp Genetics (formerly Invitae), Labcorp
Classification: Uncertain significance. Last evaluated: 2024-01-17. Review status: criteria provided, single submitter. Criteria: Invitae Variant Classification Sherloc (09022015). Collection method: clinical testing. Allele origin: germline.
Comment: This sequence change replaces leucine, which is neutral and non-polar, with phenylalanine, which is neutral and non-polar, at codon 489 of the FTO protein (p.Leu489Phe). This variant is present in population databases (rs370137051, gnomAD 0.04%). This variant has not been reported in the literature in individuals affected with FTO-related conditions. ClinVar contains an entry for this variant (Variation ID: 1469022). An algorithm developed to predict the effect of missense changes on protein structure and function (PolyPhen-2) suggests that this variant is likely to be disruptive. In summary, the available evidence is currently insufficient to determine the role of this variant in disease. Therefore, it has been classified as a Variant of Uncertain Significance.

NM_001080432.3(FTO):c.1465C>T (p.Leu489Phe)

Gene: FTO (FTO alpha-ketoglutarate dependent dioxygenase; plus strand). Cytogenetic location: 16q12.2.
Variant type: single nucleotide variant.
Coding change: c.1465C>T on transcript NM_001080432.3 (MANE Select); coding-DNA position 1465, C replaced by T.
Protein change: p.Leu489Phe; replaces leucine 489 with phenylalanine.
Molecular consequence: missense variant.
Genome position (GRCh38, 1-based): chr16:54,111,862, C>T. VCF-style: chr16-54111862-C-T. GRCh37 (hg19) VCF-style: chr16-54145774-C-T.
Other names: c.1495C>T, p.Leu499Phe (NM_001363891.2); c.1528C>T, p.Leu510Phe (NM_001363894.2); c.1447C>T, p.Leu483Phe (NM_001363896.2); c.1387C>T, p.Leu463Phe (NM_001363897.2); c.1351C>T, p.Leu451Phe (NM_001363898.2, NM_001363899.2); c.1321C>T, p.Leu441Phe (NM_001363900.2, NM_001363901.2); c.*65C>T (NM_001363903.2); c.952C>T, p.Leu318Phe (NM_001363905.2); and 1 more; short protein forms L441F, L463F, L451F, L483F, L489F, L499F, L318F, L510F.
Identifiers: ClinVar variation 1469022 (VCV001469022.8), dbSNP rs370137051, ClinGen allele CA8058638.